The following is an entry in ClinVar:

ClinVar aggregate classification (germline): Pathogenic (1 of 4 stars; one submission).

Submission:

Labcorp Genetics (formerly Invitae), Labcorp
Classification: Pathogenic. Last evaluated: 2022-12-16. Review status: criteria provided, single submitter. Criteria: Invitae Variant Classification Sherloc (09022015). Collection method: clinical testing. Allele origin: germline.
Comment: This sequence change creates a premature translational stop signal (p.Glu225*) in the MCPH1 gene. It is expected to result in an absent or disrupted protein product. Loss-of-function variants in MCPH1 are known to be pathogenic (PMID: 20978018). This variant is not present in population databases (gnomAD no frequency). This variant has not been reported in the literature in individuals affected with MCPH1-related conditions. For these reasons, this variant has been classified as Pathogenic.

Literature cited by the submitters: PubMed 20978018.

NM_024596.5(MCPH1):c.673G>T (p.Glu225Ter)

Gene: MCPH1 (microcephalin 1; plus strand). Cytogenetic location: 8p23.1.
Variant type: single nucleotide variant.
Coding change: c.673G>T on transcript NM_024596.5 (MANE Select); coding-DNA position 673, G replaced by T.
Protein change: p.Glu225Ter; replaces glutamic acid 225 with a stop codon.
Molecular consequence: nonsense. On other transcripts: non-coding transcript variant (1).
Genome position (GRCh38, 1-based): chr8:6,444,395, G>T. VCF-style: chr8-6444395-G-T. GRCh37 (hg19) VCF-style: chr8-6301916-G-T.
Other names: c.673G>T, p.Glu225Ter (NM_001172574.2, NM_001322042.2, NM_001363979.1 and 3 more transcripts); c.529G>T, p.Glu177Ter (NM_001172575.2); c.667G>T, p.Glu223Ter (NM_001322043.2); c.571G>T, p.Glu191Ter (NM_001322045.2); short protein forms E177*, E191*, E225*, E223*.
Identifiers: ClinVar variation 2821502 (VCV002821502.3), dbSNP rs2486133348, ClinGen allele CA370219401.